The following is an entry in ClinVar:

ClinVar aggregate classification (germline): Benign/Likely benign. Review status: criteria provided, multiple submitters, no conflicts (2 of 4 stars). 9 submissions from 9 submitters: Benign (4); Likely benign (3). 2 of the submissions do not count toward it. Last evaluated 2026-01-26.

Conditions:
Primary dilated cardiomyopathy (DCM). Also called: Dilated Cardiomyopathy. Identifiers: Orphanet 217604, MedGen C0007193, MeSH D002311, MONDO:0005021, HP:0001644. Inheritance: Various modes of inheritance.
Hypertrophic cardiomyopathy. Also called: HYPERTROPHIC MYOCARDIOPATHY. Identifiers: Orphanet 217569, MedGen C0007194, MeSH D002312, MONDO:0005045, HP:0001639.

Allele frequency attached by ClinVar (database versions not stated): 1000 Genomes Project 0.00040; 1000 Genomes Project 30x 0.00062; gnomAD exomes 0.00139 and 0.00298; ExAC 0.00156; gnomAD 0.00159 and 0.00163; TOPMed 0.00165; ESP Exome Variant Server 0.00208.
gnomAD v4.1: 4,539 of 1,608,636 alleles (0.28%); highest among the groups gnomAD compares: Non-Finnish European, 0.36%; 11 homozygotes.

Submissions (9):

Labcorp Genetics (formerly Invitae), Labcorp
Classification: Benign for Hypertrophic cardiomyopathy; Primary dilated cardiomyopathy. Last evaluated: 2026-01-26. Review status: criteria provided, single submitter. Criteria: Invitae Variant Classification Sherloc (09022015). Collection method: clinical testing. Allele origin: germline.

Women's Health and Genetics/Laboratory Corporation of America, LabCorp
Classification: Benign. Last evaluated: 2024-01-01. Review status: criteria provided, single submitter. Criteria: LabCorp Variant Classification Summary - May 2015. Collection method: clinical testing. Allele origin: germline.

CeGaT Center for Human Genetics Tuebingen
Classification: Likely benign. Last evaluated: 2022-11-01. Review status: criteria provided, single submitter. Criteria: CeGaT Center For Human Genetics Tuebingen Variant Classification Criteria Version 2. Collection method: clinical testing. Allele origin: germline. Affected: yes. Observed: 2 variant alleles.
Comment: PDLIM3: BP4, BP7

Ambry Genetics
Classification: Likely benign. Last evaluated: 2022-05-27. Review status: criteria provided, single submitter. Criteria: Ambry Variant Classification Scheme 2023. Collection method: clinical testing. Allele origin: germline.

Laboratory for Molecular Medicine, Mass General Brigham Personalized Medicine
Classification: Benign. Last evaluated: 2017-10-11. Review status: criteria provided, single submitter. Criteria: LMM Criteria. Collection method: clinical testing. Allele origin: germline. Observed: 2 variant alleles.
Comment: p.Gly20Gly in exon 1 of PDLIM3: This variant is not expected to have clinical si gnificance because it does not alter an amino acid residue and is not located wi thin the splice consensus sequence. It has been identified in 0.3% (320/122956) of European chromosomes by the Genome Aggregation Database (gnomAD; dbSNP rs113792127). ACMG/AMP Criteria applied: BA1 (Richar ds 2015).

GeneDx
Classification: Benign. Last evaluated: 2014-09-04. Review status: criteria provided, single submitter. Criteria: GeneDx Variant Classification (06012015). Collection method: clinical testing. Allele origin: germline. Affected: yes.
Comment: This variant is considered likely benign or benign based on one or more of the following criteria: it is a conservative change, it occurs at a poorly conserved position in the protein, it is predicted to be benign by multiple in silico algorithms, and/or has population frequency not consistent with disease.

Breakthrough Genomics
Classification: Likely benign. Review status: criteria provided, single submitter. Criteria: ACMG Guidelines, 2015. Collection method: not provided. Allele origin: germline. Inheritance: Unknown mechanism. Affected: yes.

Clinical Genetics DNA and cytogenetics Diagnostics Lab, Erasmus MC, Erasmus Medical Center
Classification: Likely benign. Review status: no assertion criteria provided. Collection method: clinical testing. Allele origin: germline. Affected: yes. Study: VKGL Data-share Consensus. Not counted in ClinVar's aggregate classification.

Genome Diagnostics Laboratory, University Medical Center Utrecht
Classification: Likely benign. Review status: no assertion criteria provided. Collection method: clinical testing. Allele origin: germline. Affected: yes. Study: VKGL Data-share Consensus. Not counted in ClinVar's aggregate classification.

NM_014476.6(PDLIM3):c.60C>A (p.Gly20=)

Gene: PDLIM3 (PDZ and LIM domain 3; minus strand). Cytogenetic location: 4q35.1.
Variant type: single nucleotide variant.
Coding change: c.60C>A on transcript NM_014476.6 (MANE Select); coding-DNA position 60, C replaced by A.
Protein change: p.Gly20=; no amino-acid change (glycine 20 retained).
Molecular consequence: synonymous variant. On other transcripts: non-coding transcript variant (1).
Genome position (GRCh38, 1-based): chr4:185,535,375, G>T on the plus strand (C>A on the coding strand, the complement: PDLIM3 is on the minus strand). VCF-style: chr4-185535375-G-T. GRCh37 (hg19) VCF-style: chr4-186456529-G-T.
Other names: p.G20G:GGC>GGA; c.60C>A, p.Gly20= (NM_001114107.5, NM_001257962.2, NM_001257963.2).
Identifiers: ClinVar variation 201951 (VCV000201951.47), dbSNP rs113792127, ClinGen allele CA335481.